The following is an entry in ClinVar:

ClinVar aggregate classification (germline): Likely benign. Review status: criteria provided, multiple submitters, no conflicts (2 of 4 stars). 3 submissions from 3 submitters: Likely benign (3). Last evaluated 2025-11-18.

Allele frequency attached by ClinVar (database versions not stated): gnomAD exomes below 0.00001 and 0.00001; gnomAD 0.00002; TOPMed 0.00003.
gnomAD v4.1: 23 of 1,613,090 alleles (0.0014%); highest among the groups gnomAD compares: Non-Finnish European, 0.0019%; no homozygotes.

Submissions (3):

Labcorp Genetics (formerly Invitae), Labcorp
Classification: Likely benign. Last evaluated: 2025-11-18. Review status: criteria provided, single submitter. Criteria: Invitae Variant Classification Sherloc (09022015). Collection method: clinical testing. Allele origin: germline.

Blueprint Genetics
Classification: Likely benign. Last evaluated: 2022-11-14. Review status: criteria provided, single submitter. Criteria: ACMG Guidelines, 2015. Collection method: clinical testing. Allele origin: germline.

Laboratory for Molecular Medicine, Mass General Brigham Personalized Medicine
Classification: Likely benign. Last evaluated: 2014-04-04. Review status: criteria provided, single submitter. Criteria: LMM Criteria. Collection method: clinical testing. Allele origin: germline. Observed: 1 variant allele.
Comment: Ala1097Ala in exon 26 of MYH9: This variant is not expected to have clinical sig nificance because it does not alter an amino acid residue and is not located wit hin the splice consensus sequence.

NM_002473.6(MYH9):c.3291C>A (p.Ala1097=)

Gene: MYH9 (myosin heavy chain 9; minus strand). Cytogenetic location: 22q12.3.
Variant type: single nucleotide variant.
Coding change: c.3291C>A on transcript NM_002473.6 (MANE Select); coding-DNA position 3291, C replaced by A.
Protein change: p.Ala1097=; no amino-acid change (alanine 1097 retained).
Molecular consequence: synonymous variant.
Genome position (GRCh38, 1-based): chr22:36,295,699, G>T on the plus strand (C>A on the coding strand, the complement: MYH9 is on the minus strand). VCF-style: chr22-36295699-G-T. GRCh37 (hg19) VCF-style: chr22-36691745-G-T.
Identifiers: ClinVar variation 164443 (VCV000164443.6), dbSNP rs727503287, ClinGen allele CA177105.